The following is an entry in ClinVar:

NM_017654.4(SAMD9):c.950A>T (p.Gln317Leu)

Gene: SAMD9 (sterile alpha motif domain containing 9; minus strand). Cytogenetic location: 7q21.2.
Variant type: single nucleotide variant.
Coding change: c.950A>T on transcript NM_017654.4 (MANE Select); coding-DNA position 950, A replaced by T.
Protein change: p.Gln317Leu; replaces glutamine 317 with leucine.
Molecular consequence: missense variant.
Genome position (GRCh38, 1-based): chr7:93,105,148, T>A on the plus strand (A>T on the coding strand, the complement: SAMD9 is on the minus strand). VCF-style: chr7-93105148-T-A. GRCh37 (hg19) VCF-style: chr7-92734461-T-A.
Other names: c.950A>T, p.Gln317Leu (NM_001193307.2); c.950A>T (NM_017654.3); short protein forms Q317L.
Identifiers: ClinVar variation 2011581 (VCV002011581.5), dbSNP rs2535361578, ClinGen allele CA368203137.

ClinVar aggregate classification (germline): Uncertain significance. Review status: criteria provided, multiple submitters, no conflicts (2 of 4 stars). 2 submissions from 2 submitters: Uncertain significance (2). Last evaluated 2025-12-29.

Conditions:
Inborn genetic diseases. Identifiers: MedGen C0950123, MeSH D030342.

Submissions (2):

Ambry Genetics
Classification: Uncertain significance for Inborn genetic diseases. Last evaluated: 2025-12-29. Review status: criteria provided, single submitter. Criteria: Ambry Variant Classification Scheme 2023. Collection method: clinical testing. Allele origin: germline.
Comment: The p.Q317L variant (also known as c.950A>T), located in coding exon 1 of the SAMD9 gene, results from an A to T substitution at nucleotide position 950. The glutamine at codon 317 is replaced by leucine, an amino acid with dissimilar properties. This amino acid position is conserved. In addition, this alteration is predicted to be tolerated by in silico analysis. Based on the available evidence, the clinical significance of this variant remains unclear.

Labcorp Genetics (formerly Invitae), Labcorp
Classification: Uncertain significance. Last evaluated: 2022-10-02. Review status: criteria provided, single submitter. Criteria: Invitae Variant Classification Sherloc (09022015). Collection method: clinical testing. Allele origin: germline.
Comment: In summary, the available evidence is currently insufficient to determine the role of this variant in disease. Therefore, it has been classified as a Variant of Uncertain Significance. Advanced modeling of protein sequence and biophysical properties (such as structural, functional, and spatial information, amino acid conservation, physicochemical variation, residue mobility, and thermodynamic stability) performed at Invitae indicates that this missense variant is not expected to disrupt SAMD9 protein function. This variant has not been reported in the literature in individuals affected with SAMD9-related conditions. This variant is not present in population databases (gnomAD no frequency). This sequence change replaces glutamine, which is neutral and polar, with leucine, which is neutral and non-polar, at codon 317 of the SAMD9 protein (p.Gln317Leu).